The following is an entry in ClinVar:

ClinVar aggregate classification (germline): Uncertain significance. Review status: criteria provided, multiple submitters, no conflicts (2 of 4 stars). 3 submissions from 3 submitters: Uncertain significance (2). 1 of the submissions does not count toward it. Last evaluated 2023-10-28.

Conditions:
POLG-related disorder. Also called: POLG-Related Spectrum Disorders; POLG-related condition; POLG-Related Disorders. Identifiers: MedGen C4763519.
Progressive sclerosing poliodystrophy (MTDPS4A). Also called: NEURONAL DEGENERATION OF CHILDHOOD WITH LIVER DISEASE, PROGRESSIVE; ALPERS PROGRESSIVE INFANTILE POLIODYSTROPHY; Alpers-Huttenlocher Syndrome; Alpers Syndrome; ALPERS DIFFUSE DEGENERATION OF CEREBRAL GRAY MATTER WITH HEPATIC CIRRHOSIS; Mitochondrial DNA depletion syndrome 4A (Alpers type). Identifiers: Orphanet 726, MedGen C0205710, MONDO:0008758, OMIM 203700.

Allele frequency attached by ClinVar (database versions not stated): gnomAD exomes below 0.00001.
gnomAD v4.1: 1 of 1,613,842 alleles (0.000062%); highest among the groups gnomAD compares: Admixed American, 0.0017%; no homozygotes.

Submissions (3):

Labcorp Genetics (formerly Invitae), Labcorp
Classification: Uncertain significance for Progressive sclerosing poliodystrophy. Last evaluated: 2023-10-28. Review status: criteria provided, single submitter. Criteria: Invitae Variant Classification Sherloc (09022015). Collection method: clinical testing. Allele origin: germline.
Comment: This sequence change replaces glutamic acid, which is acidic and polar, with glycine, which is neutral and non-polar, at codon 698 of the POLG protein (p.Glu698Gly). This variant is not present in population databases (gnomAD no frequency). This variant has not been reported in the literature in individuals affected with POLG-related conditions. ClinVar contains an entry for this variant (Variation ID: 2507284). Advanced modeling of protein sequence and biophysical properties (such as structural, functional, and spatial information, amino acid conservation, physicochemical variation, residue mobility, and thermodynamic stability) has been performed at Invitae for this missense variant, however the output from this modeling did not meet the statistical confidence thresholds required to predict the impact of this variant on POLG protein function. In summary, the available evidence is currently insufficient to determine the role of this variant in disease. Therefore, it has been classified as a Variant of Uncertain Significance.

GeneDx
Classification: Uncertain significance. Last evaluated: 2022-12-28. Review status: criteria provided, single submitter. Criteria: GeneDx Variant Classification Process June 2021. Collection method: clinical testing. Allele origin: germline. Affected: yes.
Comment: Not observed at significant frequency in large population cohorts (gnomAD); In silico analysis supports that this missense variant does not alter protein structure/function; Has not been previously published as pathogenic or benign to our knowledge

PreventionGenetics, part of Exact Sciences
Classification: Uncertain significance for POLG-related condition. Last evaluated: 2024-03-15. Review status: no assertion criteria provided. Collection method: clinical testing. Allele origin: germline. Not counted in ClinVar's aggregate classification.
Comment: The POLG c.2093A>G variant is predicted to result in the amino acid substitution p.Glu698Gly. To our knowledge, this variant has not been reported in the literature or in a large population database, indicating this variant is rare. At this time, the clinical significance of this variant is uncertain due to the absence of conclusive functional and genetic evidence.

NM_002693.3(POLG):c.2093A>G (p.Glu698Gly)

Gene: POLG (DNA polymerase gamma, catalytic subunit; minus strand). Cytogenetic location: 15q26.1.
Variant type: single nucleotide variant.
Coding change: c.2093A>G on transcript NM_002693.3 (MANE Select); coding-DNA position 2093, A replaced by G.
Protein change: p.Glu698Gly; replaces glutamic acid 698 with glycine.
Molecular consequence: missense variant.
Genome position (GRCh38, 1-based): chr15:89,323,879, T>C on the plus strand (A>G on the coding strand, the complement: POLG is on the minus strand). VCF-style: chr15-89323879-T-C. GRCh37 (hg19) VCF-style: chr15-89867110-T-C.
Other names: c.2093A>G, p.Glu698Gly (NM_001126131.2); short protein forms E698G.
Identifiers: ClinVar variation 2507284 (VCV002507284.3), dbSNP rs2509232368, ClinGen allele CA393757252.